The following is an entry in ClinVar:

ClinVar aggregate classification (germline): Benign. Review status: criteria provided, multiple submitters, no conflicts (2 of 4 stars). 6 submissions from 3 submitters: Benign (6). Last evaluated 2021-09-10.

Conditions:
Early-onset myopathy with fatal cardiomyopathy (CMYO5). Also called: Salih Myopathy; CONGENITAL MYOPATHY 5 WITH CARDIOMYOPATHY. Identifiers: Orphanet 289377, MedGen C2673677, MONDO:0012714, OMIM 611705. Disease mechanism: loss of function.
Tibial muscular dystrophy (TMD). Also called: UDD MYOPATHY; Tibial muscular dystrophy, tardive; Udd Distal Myopathy – Tibial Muscular Dystrophy. Identifiers: Orphanet 609, MedGen C1838244, MONDO:0010870, OMIM 600334.
Myopathy, myofibrillar, 9, with early respiratory failure (MFM9). Also called: MYOPATHY, PROXIMAL, WITH EARLY RESPIRATORY MUSCLE INVOLVEMENT; EDSTROM MYOPATHY; Hereditary myopathy with early respiratory failure; Myopathy, distal, with early respiratory failure, autosomal dominant. Identifiers: Orphanet 178464, Orphanet 34521, MedGen C1863599, MONDO:0011362, OMIM 603689.
Autosomal recessive limb-girdle muscular dystrophy type 2J (LGMDR10). Also called: Limb-girdle muscular dystrophy, type 2J; MUSCULAR DYSTROPHY, LIMB-GIRDLE, AUTOSOMAL RECESSIVE 10. Identifiers: Orphanet 140922, MedGen C1837342, MONDO:0012127, OMIM 608807.

Allele frequency attached by ClinVar (database versions not stated): ExAC 0.38906; 1000 Genomes Project 0.21546.

Submissions (6):

Genome-Nilou Lab
Classification: Benign for Autosomal recessive limb-girdle muscular dystrophy type 2J. Last evaluated: 2021-09-10. Review status: criteria provided, single submitter. Criteria: ACMG Guidelines, 2015. Collection method: clinical testing. Allele origin: germline. Affected: no.

Genome-Nilou Lab
Classification: Benign for Myopathy, myofibrillar, 9, with early respiratory failure. Last evaluated: 2021-09-10. Review status: criteria provided, single submitter. Criteria: ACMG Guidelines, 2015. Collection method: clinical testing. Allele origin: germline. Affected: no.

Genome-Nilou Lab
Classification: Benign for Early-onset myopathy with fatal cardiomyopathy. Last evaluated: 2021-09-10. Review status: criteria provided, single submitter. Criteria: ACMG Guidelines, 2015. Collection method: clinical testing. Allele origin: germline. Affected: no.

Genome-Nilou Lab
Classification: Benign for Tibial muscular dystrophy. Last evaluated: 2021-09-10. Review status: criteria provided, single submitter. Criteria: ACMG Guidelines, 2015. Collection method: clinical testing. Allele origin: germline. Affected: no.

Biesecker Lab/Clinical Genomics Section, National Institutes of Health
Classification: Benign. Last evaluated: 2013-06-24. Review status: criteria provided, single submitter. Criteria: Ng et al. (Circ Cardiovasc Genet. 2013). Collection method: research. Allele origin: unknown. Observed: 370 variant alleles. Study: ClinSeq.
Comment: The study set was not selected for affection status in relation to any cancer. Pathogenicity categories were based on literature curation. See Pubmed ID:23861362 for details.

Medical sequencing

GeneDx
Classification: Benign. Last evaluated: 2012-09-24. Review status: criteria provided, single submitter. Criteria: GeneDx Variant Classification (06012015). Collection method: clinical testing. Allele origin: germline. Affected: yes.
Comment: This variant is considered likely benign or benign based on one or more of the following criteria: it is a conservative change, it occurs at a poorly conserved position in the protein, it is predicted to be benign by multiple in silico algorithms, and/or has population frequency not consistent with disease.

NM_001267550.2(TTN):c.8887A>C (p.Thr2963Pro)

Gene: TTN (titin; minus strand). Cytogenetic location: 2q31.2.
Variant type: single nucleotide variant.
Coding change: c.8887A>C on transcript NM_001267550.2 (MANE Select); coding-DNA position 8887, A replaced by C.
Protein change: p.Thr2963Pro; replaces threonine 2963 with proline.
Molecular consequence: missense variant.
Genome position (GRCh38, 1-based): chr2:178,769,694, T>G on the plus strand (A>C on the coding strand, the complement: TTN is on the minus strand). VCF-style: chr2-178769694-T-G. GRCh37 (hg19) VCF-style: chr2-179634421-T-G.
Other names: p.T2963P:ACC>CCC; c.8749A>C, p.Thr2917Pro (NM_003319.4, NM_133432.3, NM_133437.4); c.8887A>C, p.Thr2963Pro (NM_133379.5, NM_001256850.1, NM_133378.4); short protein forms T2963P, T2917P.
Identifiers: ClinVar variation 137826 (VCV000137826.3), dbSNP rs200875815, ClinGen allele CA302641.